The following is an entry in ClinVar:

NM_172107.4(KCNQ2):c.2023G>A (p.Asp675Asn)

Gene: KCNQ2 (potassium voltage-gated channel subfamily Q member 2; minus strand). Cytogenetic location: 20q13.33.
Variant type: single nucleotide variant.
Coding change: c.2023G>A on transcript NM_172107.4 (MANE Select); coding-DNA position 2023, G replaced by A.
Protein change: p.Asp675Asn; replaces aspartic acid 675 with asparagine.
Molecular consequence: missense variant.
Genome position (GRCh38, 1-based): chr20:63,407,240, C>T on the plus strand (G>A on the coding strand, the complement: KCNQ2 is on the minus strand). VCF-style: chr20-63407240-C-T. GRCh37 (hg19) VCF-style: chr20-62038593-C-T.
Other names: c.2077G>A, p.Asp693Asn (NM_001382235.1); c.1939G>A, p.Asp647Asn (NM_004518.6); c.1969G>A, p.Asp657Asn (NM_172106.3); c.1930G>A, p.Asp644Asn (NM_172108.5); short protein forms D644N, D693N, D647N, D657N, D675N.
Identifiers: ClinVar variation 2271048 (VCV002271048.4), dbSNP rs747789530, ClinGen allele CA9958169.

ClinVar aggregate classification (germline): Uncertain significance. Review status: criteria provided, multiple submitters, no conflicts (2 of 4 stars). 2 submissions from 2 submitters: Uncertain significance (2). Last evaluated 2023-12-13.

Conditions:
Inborn genetic diseases. Identifiers: MedGen C0950123, MeSH D030342.
Developmental and epileptic encephalopathy. Identifiers: MedGen C5779964, MONDO:0100620.

Allele frequency attached by ClinVar (database versions not stated): gnomAD exomes below 0.00001; ExAC 0.00002.
gnomAD v4.1: 3 of 1,602,558 alleles (0.00019%); highest among the groups gnomAD compares: South Asian, 0.0033%; no homozygotes.

Submissions (2):

Labcorp Genetics (formerly Invitae), Labcorp
Classification: Uncertain significance for Early-infantile DEE. Last evaluated: 2023-12-13. Review status: criteria provided, single submitter. Criteria: Invitae Variant Classification Sherloc (09022015). Collection method: clinical testing. Allele origin: germline.
Comment: This sequence change replaces aspartic acid, which is acidic and polar, with asparagine, which is neutral and polar, at codon 675 of the KCNQ2 protein (p.Asp675Asn). This variant is present in population databases (rs747789530, gnomAD 0.01%). This variant has not been reported in the literature in individuals affected with KCNQ2-related conditions. ClinVar contains an entry for this variant (Variation ID: 2271048). An algorithm developed to predict the effect of missense changes on protein structure and function (PolyPhen-2) suggests that this variant is likely to be disruptive. In summary, the available evidence is currently insufficient to determine the role of this variant in disease. Therefore, it has been classified as a Variant of Uncertain Significance.

Ambry Genetics
Classification: Uncertain significance for Inborn genetic diseases. Last evaluated: 2022-01-07. Review status: criteria provided, single submitter. Criteria: Ambry Variant Classification Scheme 2023. Collection method: clinical testing. Allele origin: germline.